The following is an entry in ClinVar:

NM_152594.3(SPRED1):c.958A>T (p.Ile320Phe)

Gene: SPRED1 (sprouty related EVH1 domain containing 1; plus strand). Cytogenetic location: 15q14.
Variant type: single nucleotide variant.
Coding change: c.958A>T on transcript NM_152594.3 (MANE Select); coding-DNA position 958, A replaced by T.
Protein change: p.Ile320Phe; replaces isoleucine 320 with phenylalanine.
Molecular consequence: missense variant.
Genome position (GRCh38, 1-based): chr15:38,351,287, A>T. VCF-style: chr15-38351287-A-T. GRCh37 (hg19) VCF-style: chr15-38643488-A-T.
Other names: short protein forms I320F.
Identifiers: ClinVar variation 3707489 (VCV003707489.2).
Genomic context (GRCh38, chr15:38,351,287, plus strand): 5'-ACTAAGTTAAGTTCACCCAAAGACTCTGTGGTATTTAAGACGCAGCCTTCCTCATTAAAA[A>T]TTAAGAAGTCAAAACGAAGAAAAGAGGATGGTGAACGTTCTCGCTGCGTATACTGCCAGG-3'
Protein context (NP_689807.1, residues 310-330): VFKTQPSSLK[Ile320Phe]KKSKRRKEDG

ClinVar aggregate classification (germline): Uncertain significance (1 of 4 stars; one submission).

Conditions:
Legius syndrome. Identifiers: Orphanet 137605, MedGen C1969623, MONDO:0012669, OMIM 611431. Disease mechanism: loss of function.

Submission:

Labcorp Genetics (formerly Invitae), Labcorp
Classification: Uncertain significance for Legius syndrome. Last evaluated: 2024-05-21. Review status: criteria provided, single submitter. Criteria: Invitae Variant Classification Sherloc (09022015). Collection method: clinical testing. Allele origin: germline.
Comment: This sequence change replaces isoleucine, which is neutral and non-polar, with phenylalanine, which is neutral and non-polar, at codon 320 of the SPRED1 protein (p.Ile320Phe). This variant is not present in population databases (gnomAD no frequency). This variant has not been reported in the literature in individuals affected with SPRED1-related conditions. Advanced modeling of protein sequence and biophysical properties (such as structural, functional, and spatial information, amino acid conservation, physicochemical variation, residue mobility, and thermodynamic stability) performed at Invitae indicates that this missense variant is not expected to disrupt SPRED1 protein function with a negative predictive value of 80%. In summary, the available evidence is currently insufficient to determine the role of this variant in disease. Therefore, it has been classified as a Variant of Uncertain Significance.